The following is an entry in ClinVar:

ClinVar aggregate classification (germline): Conflicting classifications of pathogenicity. Review status: criteria provided, conflicting classifications (1 of 4 stars). 6 submissions from 5 submitters: Uncertain significance (2); Likely benign (4). Last evaluated 2025-12-09.

Conditions:
Cardiovascular phenotype. Identifiers: MedGen CN230736.
Dilated cardiomyopathy 1O (CMD1O). Also called: CARDIOMYOPATHY, DILATED, WITH VENTRICULAR TACHYCARDIA. Identifiers: Orphanet 154, MedGen C1837839, MONDO:0012062, OMIM 608569.
Hypertrichotic osteochondrodysplasia Cantu type. Also called: Cantú Syndrome; Cantu Syndrome. Identifiers: Orphanet 1517, MedGen C0795905, MONDO:0009406, OMIM 239850.

Allele frequency attached by ClinVar (database versions not stated): gnomAD below 0.00001 and 0.00001; TOPMed below 0.00001; ExAC 0.00003; gnomAD exomes 0.00003.
gnomAD v4.1: 18 of 1,608,406 alleles (0.0011%); highest among the groups gnomAD compares: South Asian, 0.019%; 1 homozygote.

Submissions (6):

Labcorp Genetics (formerly Invitae), Labcorp
Classification: Likely benign for Dilated cardiomyopathy 1O. Last evaluated: 2025-12-09. Review status: criteria provided, single submitter. Criteria: Invitae Variant Classification Sherloc (09022015). Collection method: clinical testing. Allele origin: germline.

Blueprint Genetics
Classification: Likely benign. Last evaluated: 2023-10-06. Review status: criteria provided, single submitter. Criteria: ACMG Guidelines, 2015. Collection method: clinical testing. Allele origin: germline.

Ambry Genetics
Classification: Likely benign for Cardiovascular phenotype. Last evaluated: 2021-08-14. Review status: criteria provided, single submitter. Criteria: Ambry Variant Classification Scheme 2023. Collection method: clinical testing. Allele origin: germline.

GeneDx
Classification: Likely benign. Last evaluated: 2017-12-21. Review status: criteria provided, single submitter. Criteria: GeneDx Variant Classification (06012015). Collection method: clinical testing. Allele origin: germline. Affected: yes.
Comment: This variant is considered likely benign or benign based on one or more of the following criteria: it is a conservative change, it occurs at a poorly conserved position in the protein, it is predicted to be benign by multiple in silico algorithms, and/or has population frequency not consistent with disease.

Illumina Laboratory Services, Illumina
Classification: Uncertain significance for Hypertrichotic osteochondrodysplasia Cantu type. Last evaluated: 2017-04-27. Review status: criteria provided, single submitter. Criteria: ICSL Variant Classification Criteria 13 December 2019. Collection method: clinical testing. Allele origin: germline.

Illumina Laboratory Services, Illumina
Classification: Uncertain significance for Dilated cardiomyopathy 1O. Last evaluated: 2017-04-27. Review status: criteria provided, single submitter. Criteria: ICSL Variant Classification Criteria 13 December 2019. Collection method: clinical testing. Allele origin: germline.

NM_020297.4(ABCC9):c.6C>T (p.Ser2=)

Gene: ABCC9 (ATP binding cassette subfamily C member 9; minus strand). Cytogenetic location: 12p12.1.
Variant type: single nucleotide variant.
Coding change: c.6C>T on transcript NM_020297.4 (MANE Select); coding-DNA position 6, C replaced by T.
Protein change: p.Ser2=; no amino-acid change (serine 2 retained).
Molecular consequence: synonymous variant. On other transcripts: 5 prime UTR variant (1).
Genome position (GRCh38, 1-based): chr12:21,936,669, G>A on the plus strand (C>T on the coding strand, the complement: ABCC9 is on the minus strand). VCF-style: chr12-21936669-G-A. GRCh37 (hg19) VCF-style: chr12-22089603-G-A.
Other names: c.6C>T, p.Ser2= (NM_001377273.1, NM_005691.4); c.-449C>T (NM_001377274.1).
Identifiers: ClinVar variation 514309 (VCV000514309.11), dbSNP rs765382139, ClinGen allele CA6481965.